The following is an entry in ClinVar:

NM_001916.5(CYC1):c.245T>A (p.Val82Glu)

Gene: CYC1 (cytochrome c1; plus strand). Cytogenetic location: 8q24.3.
Variant type: single nucleotide variant.
Coding change: c.245T>A on transcript NM_001916.5 (MANE Select); coding-DNA position 245, T replaced by A.
Protein change: p.Val82Glu; replaces valine 82 with glutamic acid.
Molecular consequence: missense variant.
Genome position (GRCh38, 1-based): chr8:144,095,948, T>A. VCF-style: chr8-144095948-T-A. GRCh37 (hg19) VCF-style: chr8-145150851-T-A.
Other names: short protein forms V82E.
Identifiers: ClinVar variation 1954587 (VCV001954587.5), dbSNP rs1158918089, ClinGen allele CA372519612.

ClinVar aggregate classification (germline): Uncertain significance (1 of 4 stars; one submission).

Allele frequency attached by ClinVar (database versions not stated): gnomAD 0.00002; TOPMed 0.00002.

Submission:

Labcorp Genetics (formerly Invitae), Labcorp
Classification: Uncertain significance. Last evaluated: 2024-06-10. Review status: criteria provided, single submitter. Criteria: Invitae Variant Classification Sherloc (09022015). Collection method: clinical testing. Allele origin: germline.
Comment: This sequence change replaces valine, which is neutral and non-polar, with glutamic acid, which is acidic and polar, at codon 82 of the CYC1 protein (p.Val82Glu). This variant is present in population databases (no rsID available, gnomAD 0.002%). This variant has not been reported in the literature in individuals affected with CYC1-related conditions. ClinVar contains an entry for this variant (Variation ID: 1954587). Advanced modeling of protein sequence and biophysical properties (such as structural, functional, and spatial information, amino acid conservation, physicochemical variation, residue mobility, and thermodynamic stability) performed at Invitae indicates that this missense variant is not expected to disrupt CYC1 protein function with a negative predictive value of 80%. In summary, the available evidence is currently insufficient to determine the role of this variant in disease. Therefore, it has been classified as a Variant of Uncertain Significance.